The following is an entry in ClinVar:

ClinVar aggregate classification (germline): Benign. Review status: criteria provided, single submitter (1 of 4 stars). 3 submissions from 3 submitters: Benign (1). 2 of the submissions do not count toward it. Last evaluated 2026-01-17.

Conditions:
NPHS2-related disorder. Also called: NPHS2-related condition.
Steroid-resistant nephrotic syndrome. Identifiers: MedGen C0403397, MONDO:0044765, HP:0012588.

Allele frequency attached by ClinVar (database versions not stated): ExAC 0.00016; gnomAD 0.00019; TOPMed 0.00028; 1000 Genomes Project 30x 0.00031; 1000 Genomes Project 0.00040.
gnomAD v4.1: 129 of 1,609,802 alleles (0.008%); highest among the groups gnomAD compares: East Asian, 0.24%; 1 homozygote.

Submissions (3):

Labcorp Genetics (formerly Invitae), Labcorp
Classification: Benign. Last evaluated: 2026-01-17. Review status: criteria provided, single submitter. Criteria: Invitae Variant Classification Sherloc (09022015). Collection method: clinical testing. Allele origin: germline.

Natera, Inc.
Classification: Uncertain significance for Steroid-resistant nephrotic syndrome. Last evaluated: 2020-04-24. Review status: no assertion criteria provided. Collection method: clinical testing. Allele origin: germline. Not counted in ClinVar's aggregate classification.

PreventionGenetics, part of Exact Sciences
Classification: Likely benign for NPHS2-related condition. Last evaluated: 2020-03-17. Review status: no assertion criteria provided. Collection method: clinical testing. Allele origin: germline. Not counted in ClinVar's aggregate classification.
Comment: This variant is classified as likely benign based on ACMG/AMP sequence variant interpretation guidelines (Richards et al. 2015 PMID: 25741868, with internal and published modifications).

NM_014625.4(NPHS2):c.873+10C>T

Genes: AXDND1 (axonemal dynein light chain domain containing 1; plus strand), NPHS2 (NPHS2 stomatin family member, podocin; minus strand). Cytogenetic location: 1q25.2.
Variant type: single nucleotide variant.
Coding change: c.873+10C>T on transcript NM_014625.4 (MANE Select); 10 bases into the intron after coding-DNA position 873, C replaced by T.
Molecular consequence: intron variant.
Genome position (GRCh38, 1-based): chr1:179,552,593, G>A on the plus strand (C>T on the coding strand, the complement: NPHS2 is on the minus strand). VCF-style: chr1-179552593-G-A. GRCh37 (hg19) VCF-style: chr1-179521728-G-A.
Other names: c.3032-1919G>A (NM_144696.6); c.669+10C>T (NM_001297575.2).
Identifiers: ClinVar variation 751059 (VCV000751059.13), dbSNP rs536934083, ClinGen allele CA1267098.